The following is an entry in ClinVar:

NM_004183.4(BEST1):c.1182A>G (p.Leu394=)

Gene: BEST1 (bestrophin 1; plus strand). Cytogenetic location: 11q12.3.
Variant type: single nucleotide variant.
Coding change: c.1182A>G on transcript NM_004183.4 (MANE Select); coding-DNA position 1182, A replaced by G.
Protein change: p.Leu394=; no amino-acid change (leucine 394 retained).
Molecular consequence: synonymous variant. On other transcripts: non-coding transcript variant (1).
Genome position (GRCh38, 1-based): chr11:61,962,336, A>G. VCF-style: chr11-61962336-A-G. GRCh37 (hg19) VCF-style: chr11-61729808-A-G.
Other names: c.1002A>G, p.Leu334= (NM_001139443.3, NM_001300787.2); c.921A>G, p.Leu307= (NM_001300786.2); c.864A>G, p.Leu288= (NM_001363591.3); c.*77A>G (NM_001363592.2); c.210A>G, p.Leu70= (NM_001363593.3).
Identifiers: ClinVar variation 668199 (VCV000668199.1), dbSNP rs1416177284, ClinGen allele CA474806622.
Genomic context (GRCh38, chr11:61,962,336, plus strand): 5'-GTTCCAGCCCAATCAGGAGGACGAGGAGGATGCTCACGCTGGCATCATTGGCCGCTTCCT[A>G]GGCCTGCAGTCCCATGATCACCATCCTCCCAGGGCAAACTCAAGGACCAAACTACTGTGG-3'
Protein context (NP_004174.1, residues 384-404): DAHAGIIGRF[Leu394=]GLQSHDHHPP

ClinVar aggregate classification (germline): Likely benign (1 of 4 stars; one submission).

Allele frequency attached by ClinVar (database versions not stated): gnomAD exomes below 0.00001.
gnomAD v4.1: 2 of 1,614,166 alleles (0.00012%); highest among the groups gnomAD compares: South Asian, 0.0011%; no homozygotes.

Submission:

GeneDx
Classification: Likely benign. Last evaluated: 2018-05-17. Review status: criteria provided, single submitter. Criteria: GeneDx Variant Classification (06012015). Collection method: clinical testing. Allele origin: germline. Affected: yes.
Comment: This variant is considered likely benign or benign based on one or more of the following criteria: it is a conservative change, it occurs at a poorly conserved position in the protein, it is predicted to be benign by multiple in silico algorithms, and/or has population frequency not consistent with disease.